The following is an entry in ClinVar:

ClinVar aggregate classification (germline): Likely pathogenic (1 of 4 stars; one submission).

Conditions:
Marfan syndrome (MFS). Also called: MARFAN SYNDROME, TYPE I; Marfan syndrome type 1; Marfan's syndrome; Marfan syndrome, classic; FBN1-Related Marfan Syndrome. Identifiers: Orphanet 284963, Orphanet 558, MedGen C0024796, MONDO:0007947, OMIM 154700.

Submission:

Center for Genomics, Ann and Robert H. Lurie Children's Hospital of Chicago
Classification: Likely pathogenic for Marfan syndrome. Last evaluated: 2023-12-21. Review status: criteria provided, single submitter. Criteria: ACMG Guidelines, 2015. Collection method: clinical testing. Allele origin: de novo. Inheritance: Autosomal dominant inheritance. Observed: 1 heterozygote.
Comment: This variant has not been reported in the literature in association with disease and is not present in gnomAD. This variant introduces a novel cysteine residue which may impede the normal formation of critical disulfide bridges, and occurs at a position in the consensus calcium-binding sequence within a calcium-binding EGF-like domain (Jensen 2005 PMID: 15649891). Evolutionary conservation and computational predictive algorithms support that this variant likely impacts protein structure or function. In summary, data on this variant is highly suspicious for disease, but requires further evidence for pathogenicity. Therefore, this variant is classified as likely pathogenic.

Literature cited by the submitters: PubMed 15649891.

NM_000138.5(FBN1):c.6563T>G (p.Phe2188Cys)

Gene: FBN1 (fibrillin 1; minus strand). Cytogenetic location: 15q21.1.
Variant type: single nucleotide variant.
Coding change: c.6563T>G on transcript NM_000138.5 (MANE Select); coding-DNA position 6563, T replaced by G.
Protein change: p.Phe2188Cys; replaces phenylalanine 2188 with cysteine.
Molecular consequence: missense variant.
Genome position (GRCh38, 1-based): chr15:48,434,647, A>C on the plus strand (T>G on the coding strand, the complement: FBN1 is on the minus strand). VCF-style: chr15-48434647-A-C. GRCh37 (hg19) VCF-style: chr15-48726844-A-C.
Other names: c.6563T>G, p.Phe2188Cys (NM_001406716.1); short protein forms F2188C.
Identifiers: ClinVar variation 2674623 (VCV002674623.1), dbSNP rs2505429471, ClinGen allele CA392334944.